The following is an entry in ClinVar:

NM_005120.3(MED12):c.6142C>G (p.Leu2048Val)

Gene: MED12 (mediator complex subunit 12; plus strand). Cytogenetic location: Xq13.1.
Variant type: single nucleotide variant.
Coding change: c.6142C>G on transcript NM_005120.3 (MANE Select); coding-DNA position 6142, C replaced by G.
Protein change: p.Leu2048Val; replaces leucine 2048 with valine.
Molecular consequence: missense variant.
Genome position (GRCh38, 1-based): chrX:71,140,732, C>G. VCF-style: chrX-71140732-C-G. GRCh37 (hg19) VCF-style: chrX-70360582-C-G.
Other names: short protein forms L2048V.
Identifiers: ClinVar variation 2768819 (VCV002768819.3), dbSNP rs2092344894, ClinGen allele CA413539910.

ClinVar aggregate classification (germline): Uncertain significance (1 of 4 stars; one submission).

Conditions:
FG syndrome (FGS). Identifiers: MedGen C0220769, MONDO:0002010.

Submission:

Labcorp Genetics (formerly Invitae), Labcorp
Classification: Uncertain significance for FG syndrome. Last evaluated: 2023-10-15. Review status: criteria provided, single submitter. Criteria: Invitae Variant Classification Sherloc (09022015). Collection method: clinical testing. Allele origin: germline.
Comment: This sequence change replaces leucine, which is neutral and non-polar, with valine, which is neutral and non-polar, at codon 2048 of the MED12 protein (p.Leu2048Val). This variant is not present in population databases (gnomAD no frequency). This variant has not been reported in the literature in individuals affected with MED12-related conditions. Advanced modeling of protein sequence and biophysical properties (such as structural, functional, and spatial information, amino acid conservation, physicochemical variation, residue mobility, and thermodynamic stability) performed at Invitae indicates that this missense variant is not expected to disrupt MED12 protein function. In summary, the available evidence is currently insufficient to determine the role of this variant in disease. Therefore, it has been classified as a Variant of Uncertain Significance.